The following is an entry in ClinVar:

ClinVar aggregate classification (germline): Conflicting classifications of pathogenicity. Review status: criteria provided, conflicting classifications (1 of 4 stars). 3 submissions from 3 submitters: Uncertain significance (1); Likely benign (2). Last evaluated 2026-03-19.

Conditions:
CHAMP1-related disorder. Also called: CHAMP1-related condition.
Complex neurodevelopmental disorder. Identifiers: Orphanet 528084, MedGen C5568766, MONDO:0100038.

gnomAD v4.1: 13 of 1,614,058 alleles (0.00081%); highest among the groups gnomAD compares: Middle Eastern, 0.033%; no homozygotes.

Submissions (3):

PreventionGenetics, part of Exact Sciences
Classification: Likely benign for CHAMP1-related condition. Last evaluated: 2026-03-19. Review status: criteria provided, single submitter. Criteria: ACMG Guidelines, 2015. Collection method: clinical testing. Allele origin: germline.
Comment: This variant is classified as likely benign based on ACMG/AMP sequence variant interpretation guidelines (Richards et al. 2015 PMID: 25741868, with internal and published modifications).

Blueprint Genetics
Classification: Likely benign. Last evaluated: 2024-11-07. Review status: criteria provided, single submitter. Criteria: ACMG Guidelines, 2015. Collection method: clinical testing. Allele origin: germline.

Department of Pathology and Laboratory Medicine, Sinai Health System
Classification: Uncertain significance for complex neurodevelopmental disorder. Last evaluated: 2021-11-17. Review status: criteria provided, single submitter. Criteria: ACMG Guidelines, 2015. Collection method: research. Allele origin: germline.

NM_032436.4(CHAMP1):c.553C>T (p.Pro185Ser)

Gene: CHAMP1 (chromosome alignment maintaining phosphoprotein 1; plus strand). Cytogenetic location: 13q34.
Variant type: single nucleotide variant.
Coding change: c.553C>T on transcript NM_032436.4 (MANE Select); coding-DNA position 553, C replaced by T.
Protein change: p.Pro185Ser; replaces proline 185 with serine.
Molecular consequence: missense variant.
Genome position (GRCh38, 1-based): chr13:114,324,395, C>T. VCF-style: chr13-114324395-C-T. GRCh37 (hg19) VCF-style: chr13-115089870-C-T.
Other names: c.553C>T, p.Pro185Ser (NM_001164144.3, NM_001164145.3); c.553C>T (NM_001164145.2); short protein forms P185S.
Identifiers: ClinVar variation 3779065 (VCV003779065.3).
Genomic context (GRCh38, chr13:114,324,395, plus strand): 5'-CCTGAGCTACAGACACCTCTTCCTTCTCCTGAGCCTTCAAAACCTGCCTCTGTTTCTTCT[C>T]CTGAACCTCCAAAATCAGTCCCTGTTTGTGAGTCTCAGAAACTTGCCCCTGTTCCTTCTC-3'
Protein context (NP_115812.1, residues 175-195): EPSKPASVSS[Pro185Ser]EPPKSVPVCE